The following is an entry in ClinVar:

ClinVar aggregate classification (germline): Uncertain significance (1 of 4 stars; one submission).

gnomAD v4.1: 1 of 1,611,292 alleles (0.000062%); highest among the groups gnomAD compares: Admixed American, 0.0017%; no homozygotes.

Submission:

Labcorp Genetics (formerly Invitae), Labcorp
Classification: Uncertain significance. Last evaluated: 2024-12-21. Review status: criteria provided, single submitter. Criteria: Invitae Variant Classification Sherloc (09022015). Collection method: clinical testing. Allele origin: germline.
Comment: This sequence change replaces lysine, which is basic and polar, with glutamic acid, which is acidic and polar, at codon 181 of the ITPR1 protein (p.Lys181Glu). The frequency data for this variant in the population databases is considered unreliable, as metrics indicate poor data quality at this position in the gnomAD database. This variant has not been reported in the literature in individuals affected with ITPR1-related conditions. Invitae Evidence Modeling of protein sequence and biophysical properties (such as structural, functional, and spatial information, amino acid conservation, physicochemical variation, residue mobility, and thermodynamic stability) has been performed for this missense variant. However, the output from this modeling did not meet the statistical confidence thresholds required to predict the impact of this variant on ITPR1 protein function. In summary, the available evidence is currently insufficient to determine the role of this variant in disease. Therefore, it has been classified as a Variant of Uncertain Significance.

NM_001378452.1(ITPR1):c.541A>G (p.Lys181Glu)

Gene: ITPR1 (inositol 1,4,5-trisphosphate receptor type 1; plus strand). Cytogenetic location: 3p26.1.
Variant type: single nucleotide variant.
Coding change: c.541A>G on transcript NM_001378452.1 (MANE Select); coding-DNA position 541, A replaced by G.
Protein change: p.Lys181Glu; replaces lysine 181 with glutamic acid.
Molecular consequence: missense variant.
Genome position (GRCh38, 1-based): chr3:4,644,151, A>G. VCF-style: chr3-4644151-A-G. GRCh37 (hg19) VCF-style: chr3-4685835-A-G.
Other names: c.541A>G, p.Lys181Glu (NM_001099952.4, NM_001168272.2, NM_002222.7); short protein forms K181E.
Identifiers: ClinVar variation 3719742 (VCV003719742.2).